The following is an entry in ClinVar:

ClinVar aggregate classification (germline): Uncertain significance (1 of 4 stars; one submission).

Submission:

GeneDx
Classification: Uncertain significance. Last evaluated: 2025-04-17. Review status: criteria provided, single submitter. Criteria: GeneDx Variant Classification Process June 2021. Collection method: clinical testing. Allele origin: germline. Affected: yes.
Comment: Not observed at significant frequency in large population cohorts (gnomAD); Frameshift variant predicted to result in abnormal protein length as the last 99 amino acid(s) are replaced with 71 different amino acid(s); Has not been previously published as pathogenic or benign to our knowledge

NM_015898.4(ZBTB7A):c.1454_1455dup (p.Lys486fs)

Gene: ZBTB7A (zinc finger and BTB domain containing 7A; minus strand). Cytogenetic location: 19p13.3.
Variant type: Duplication.
Coding change: c.1454_1455dup on transcript NM_015898.4 (MANE Select); coding-DNA positions 1454 to 1455, 2 bases duplicated (TC; older notation c.1454_1455dupTC).
Protein change: p.Lys486fs; shifts the reading frame from lysine 486.
Molecular consequence: frameshift variant.
Genome position (GRCh38, 1-based): chr19:4,048,052-4,048,053, GA duplicated on the plus strand (TC on the coding strand, the reverse complement: ZBTB7A is on the minus strand); duplicating any 2 consecutive bases within chr19:4,048,052-4,048,054 gives the same sequence; the c. name uses the placement nearest the transcript's 3' end. VCF-style (leftmost placement, unchanged base first): chr19-4048051-T-TGA. GRCh37 (hg19) VCF-style: chr19-4048049-T-TGA.
Other names: c.1454_1455dup, p.Lys486fs (NM_001317990.2); short protein forms K486fs.
Identifiers: ClinVar variation 4282302 (VCV004282302.1).
Genomic context (GRCh38, chr19:4,048,051, plus strand): 5'-CGCCCCGGACGCGGGGCTTGCGGCCGCGGCGCGAGGGGACGCCGTTGCAGCCGTCTTTCT[T>TGA]GAGGTGTCTGTGCAGGTGGTCGGAGCGGACGAAGGTCTTGCAGCAGCTGTCGCACTGGTA-3'